The following is an entry in ClinVar:

ClinVar aggregate classification (germline): Conflicting classifications of pathogenicity. Review status: criteria provided, conflicting classifications (1 of 4 stars). 9 submissions from 9 submitters: Uncertain significance (1); Benign (1); Likely benign (6). 1 of the submissions does not count toward it. Last evaluated 2026-01-27.

Conditions:
COL5A1-related disorder. Also called: COL5A1-related condition.
Ehlers-Danlos syndrome, classic type, 1 (EDSCL1). Also called: EHLERS-DANLOS SYNDROME, GRAVIS TYPE; EHLERS-DANLOS SYNDROME, SEVERE CLASSIC TYPE; Ehlers-Danlos syndrome, type 1; Ehlers-Danlos Syndrome, Classic Type, COL5A1-Related; EDS I. Identifiers: MedGen C0268335, MONDO:0019567, OMIM 130000.
Ehlers-Danlos syndrome, classic type (cEDS). Identifiers: Orphanet 287, MedGen C4225429, MONDO:0007522.
Ehlers-Danlos syndrome (EDS). Identifiers: Orphanet 98249, MedGen C0013720, MONDO:0020066.
Familial thoracic aortic aneurysm and aortic dissection (TAAD). Also called: Thoracic aortic aneurysms and dissections. Identifiers: Orphanet 91387, MedGen C4707243, MONDO:0019625.

Allele frequency attached by ClinVar (database versions not stated): gnomAD exomes 0.00027 and 0.00042; gnomAD 0.00030 and 0.00087; 1000 Genomes Project 0.00040; ExAC 0.00045; 1000 Genomes Project 30x 0.00047; ESP Exome Variant Server 0.00077; TOPMed 0.00177.
gnomAD v4.1: 524 of 1,612,332 alleles (0.032%); highest among the groups gnomAD compares: Admixed American, 0.077%; 4 homozygotes.

Submissions (11):

Labcorp Genetics (formerly Invitae), Labcorp
Classification: Likely benign for Ehlers-Danlos syndrome, classic type, 1. Last evaluated: 2026-01-27. Review status: criteria provided, single submitter. Criteria: Invitae Variant Classification Sherloc (09022015). Collection method: clinical testing. Allele origin: germline.

Mayo Clinic Laboratories, Mayo Clinic
Classification: Likely benign. Last evaluated: 2025-09-15. Review status: criteria provided, single submitter. Criteria: ACMG Guidelines, 2015. Collection method: clinical testing. Allele origin: germline. Observed: 4 variant alleles.
Comment: BS1, PP3_moderate

Women's Health and Genetics/Laboratory Corporation of America, LabCorp
Classification: Likely benign. Last evaluated: 2025-03-24. Review status: criteria provided, single submitter. Criteria: LabCorp Variant Classification Summary - May 2015. Collection method: clinical testing. Allele origin: germline.
Comment: Variant summary: COL5A1 c.2588A>T (p.Glu863Val) results in a non-conservative amino acid change in the encoded protein sequence. Five of five in-silico tools predict a damaging effect of the variant on protein function. The variant allele was found at a frequency of 0.00032 in 1612332 control chromosomes in the gnomAD database (v4.1 dataset), including 4 homozygotes. The observed variant frequency is approximately 10-fold of the estimated maximal expected allele frequency for a pathogenic variant in COL5A1 causing Ehlers-Danlos Syndrome phenotype (3.1e-05). The variant, c.2588A>T, has been reported in the literature in at least one individual affected with mild clinical features of Ehlers-Danlos Syndrome (e.g., Junkiert-Czarnecka_2019, Junkiert-Czarnecka_2022), and this individual also carried a second variant, c.3418G>A (p.Val1140Met). Based on their co-occurrence pattern in gnomAD (v2.1 dataset), these variants are likely found on the same haplotype in most individuals. These report(s) do not provide unequivocal conclusions about association of the variant with Ehlers-Danlos Syndrome. To our knowledge, no experimental evidence demonstrating an impact on protein function has been reported. The following publications have been ascertained in the context of this evaluation (PMID: 30858776, 35723357). ClinVar contains an entry for this variant (Variation ID: 213044). Based on the evidence outlined above, the variant was classified as likely benign.

Blueprint Genetics
Classification: Likely benign. Last evaluated: 2024-11-11. Review status: criteria provided, single submitter. Criteria: ACMG Guidelines, 2015. Collection method: clinical testing. Allele origin: germline.

GeneDx
Classification: Likely benign. Last evaluated: 2021-04-20. Review status: criteria provided, single submitter. Criteria: GeneDx Variant Classification Process June 2021. Collection method: clinical testing. Allele origin: germline. Affected: yes.
Comment: This variant is associated with the following publications: (PMID: 30858776)

Ambry Genetics
Classification: Likely benign for Familial thoracic aortic aneurysm and aortic dissection. Last evaluated: 2020-11-19. Review status: criteria provided, single submitter. Criteria: Ambry Variant Classification Scheme 2023. Collection method: clinical testing. Allele origin: germline.

Genome Diagnostics Laboratory, The Hospital for Sick Children
Classification: Uncertain significance for Ehlers-Danlos syndrome. Last evaluated: 2020-04-01. Review status: criteria provided, single submitter. Criteria: ACMG Guidelines, 2015. Collection method: clinical testing. Allele origin: germline.

Illumina Laboratory Services, Illumina
Classification: Benign for Ehlers-Danlos syndrome, classic type, 1. Last evaluated: 2017-08-23. Review status: criteria provided, single submitter. Criteria: ICSL Variant Classification Criteria 13 December 2019. Collection method: clinical testing. Allele origin: germline.
Comment: This variant was observed as part of a predisposition screen in an ostensibly healthy population. A literature search was performed for the gene, cDNA change, and amino acid change (where applicable). No publications were found based on this search. Allele frequency data from public databases was too high to be consistent with this variant causing disease. Therefore, this variant is classified as benign.

PreventionGenetics, part of Exact Sciences
Classification: Likely benign for COL5A1-related condition. Last evaluated: 2021-05-05. Review status: no assertion criteria provided. Collection method: clinical testing. Allele origin: germline. Not counted in ClinVar's aggregate classification.
Comment: This variant is classified as likely benign based on ACMG/AMP sequence variant interpretation guidelines (Richards et al. 2015 PMID: 25741868, with internal and published modifications).

Dr. Peter K. Rogan Lab, Western University
No classification provided (evidence only). Condition: Familial cancer of breast. Review status: no classification provided. Collection method: in vitro. Allele origin: not applicable. Functional consequence: retained intron. Not counted in ClinVar's aggregate classification.

Dr. Peter K. Rogan Lab, Western University
No classification provided (evidence only). Condition: Thyroid cancer, nonmedullary, 1. Review status: no classification provided. Collection method: in vitro. Allele origin: not applicable. Functional consequence: retained intron. Not counted in ClinVar's aggregate classification.

Literature cited by the submitters: PubMed 30858776 (cited by 3 submitters); PubMed 35723357 (cited by Mayo Clinic Laboratories, Mayo Clinic and Women's Health and Genetics/Laboratory Corporation of America, LabCorp).

NM_000093.5(COL5A1):c.2588A>T (p.Glu863Val)

Gene: COL5A1 (collagen type V alpha 1 chain; plus strand). Cytogenetic location: 9q34.3.
Variant type: single nucleotide variant.
Coding change: c.2588A>T on transcript NM_000093.5 (MANE Select); coding-DNA position 2588, A replaced by T.
Protein change: p.Glu863Val; replaces glutamic acid 863 with valine.
Molecular consequence: missense variant.
Genome position (GRCh38, 1-based): chr9:134,785,092, A>T. VCF-style: chr9-134785092-A-T. GRCh37 (hg19) VCF-style: chr9-137676938-A-T.
Other names: p.E863V:GAG>GTG; c.2588A>T, p.Glu863Val (NM_001278074.1); short protein forms E863V.
Identifiers: ClinVar variation 213044 (VCV000213044.32), dbSNP rs139788610, ClinGen allele CA323813.